The following is an entry in ClinVar:

GRCh38/hg38 8p21.3(chr8:19465892-19746778)x1

Genes: CSGALNACT1 (chondroitin sulfate N-acetylgalactosaminyltransferase 1; minus strand), CSGALNACT1-AS1 (CSGALNACT1 antisense RNA 1; plus strand), LOC126860314 (MED14-independent group 3 enhancer GRCh37_chr8:19394183-19395382; plus strand), LOC126860315 (CDK7 strongly-dependent group 2 enhancer GRCh37_chr8:19435762-19436961; plus strand), LOC126860316 (BRD4-independent group 4 enhancer GRCh37_chr8:19522068-19523267; plus strand) and 2 more. Cytogenetic location: 8p21.3.
Variant type: copy number loss.
Change: copy number 1 (one copy instead of two) of chr8:19,465,892-19,746,778 (280.9 kb, GRCh38 coordinates, 1-based), cytogenetic band 8p21.3.
Identifiers: ClinVar variation 4796059 (VCV004796059.1).

ClinVar aggregate classification (germline): Uncertain significance (1 of 4 stars; one submission).

Submission:

Medical Genetic Center, Changzhi Maternal and Child Health Care Hospital
Classification: Uncertain significance. Last evaluated: 2025-12-10. Review status: criteria provided, single submitter. Criteria: ACMG/ClinGen CNV Guidelines, 2019. Collection method: clinical testing. Allele origin: unknown.